The following is an entry in ClinVar:

NM_018192.4(P3H2):c.1096G>A (p.Glu366Lys)

Gene: P3H2 (prolyl 3-hydroxylase 2; minus strand). Cytogenetic location: 3q28.
Variant type: single nucleotide variant.
Coding change: c.1096G>A on transcript NM_018192.4 (MANE Select); coding-DNA position 1096, G replaced by A.
Protein change: p.Glu366Lys; replaces glutamic acid 366 with lysine.
Molecular consequence: missense variant.
Genome position (GRCh38, 1-based): chr3:189,987,529, C>T on the plus strand (G>A on the coding strand, the complement: P3H2 is on the minus strand). VCF-style: chr3-189987529-C-T. GRCh37 (hg19) VCF-style: chr3-189705318-C-T.
Other names: c.553G>A, p.Glu185Lys (NM_001134418.2); short protein forms E185K, E366K.
Identifiers: ClinVar variation 1463151 (VCV001463151.8), dbSNP rs2108919101, ClinGen allele CA355757595.

ClinVar aggregate classification (germline): Uncertain significance (1 of 4 stars; one submission).

Submission:

Labcorp Genetics (formerly Invitae), Labcorp
Classification: Uncertain significance. Last evaluated: 2022-03-14. Review status: criteria provided, single submitter. Criteria: Invitae Variant Classification Sherloc (09022015). Collection method: clinical testing. Allele origin: germline.
Comment: This sequence change replaces glutamic acid, which is acidic and polar, with lysine, which is basic and polar, at codon 366 of the P3H2 protein (p.Glu366Lys). This variant is not present in population databases (gnomAD no frequency). This variant has not been reported in the literature in individuals affected with P3H2-related conditions. Algorithms developed to predict the effect of missense changes on protein structure and function (SIFT, PolyPhen-2, Align-GVGD) all suggest that this variant is likely to be tolerated. In summary, the available evidence is currently insufficient to determine the role of this variant in disease. Therefore, it has been classified as a Variant of Uncertain Significance.